The following is an entry in ClinVar:

ClinVar aggregate classification (germline): Uncertain significance (1 of 4 stars; one submission).

Conditions:
Familial thoracic aortic aneurysm and aortic dissection (TAAD). Also called: Thoracic aortic aneurysms and dissections. Identifiers: Orphanet 91387, MedGen C4707243, MONDO:0019625.

Submission:

Ambry Genetics
Classification: Uncertain significance for Familial thoracic aortic aneurysm and aortic dissection. Last evaluated: 2023-10-15. Review status: criteria provided, single submitter. Criteria: Ambry Variant Classification Scheme 2023. Collection method: clinical testing. Allele origin: germline.
Comment: The p.A423S variant (also known as c.1267G>T), located in coding exon 11 of the MYH11 gene, results from a G to T substitution at nucleotide position 1267. The alanine at codon 423 is replaced by serine, an amino acid with similar properties. This amino acid position is conserved. In addition, the in silico prediction for this alteration is inconclusive. Since supporting evidence is limited at this time, the clinical significance of this alteration remains unclear.

NM_002474.3(MYH11):c.1267G>T (p.Ala423Ser)

Gene: MYH11 (myosin heavy chain 11; minus strand). Cytogenetic location: 16p13.11.
Variant type: single nucleotide variant.
Coding change: c.1267G>T on transcript NM_002474.3 (MANE Select); coding-DNA position 1267, G replaced by T.
Protein change: p.Ala423Ser; replaces alanine 423 with serine.
Molecular consequence: missense variant.
Genome position (GRCh38, 1-based): chr16:15,759,710, C>A on the plus strand (G>T on the coding strand, the complement: MYH11 is on the minus strand). VCF-style: chr16-15759710-C-A. GRCh37 (hg19) VCF-style: chr16-15853567-C-A.
Other names: c.1288G>T, p.Ala430Ser (NM_001040113.2, NM_001040114.2); c.1267G>T, p.Ala423Ser (NM_022844.3); short protein forms A423S, A430S.
Identifiers: ClinVar variation 3222369 (VCV003222369.1), dbSNP rs2506400542, ClinGen allele CA394872669.
Genomic context (GRCh38, chr16:15,759,710, plus strand): 5'-CTTTGTTCACGCGGGTGAGTATCCAGCGGAAAAGGCGCTCATATGTTGCCTTGGCCAAAG[C>A]CTCTACAGCAAAGTCAGCCTGCAGAGGGCAACCAGGGGAACCCGGTTATTCTCAATGGGC-3'
Protein context (NP_002465.1, residues 413-433): TKEQADFAVE[Ala423Ser]LAKATYERLF